The following is an entry in ClinVar:

NM_000203.5(IDUA):c.1582C>G (p.Pro528Ala)

Gene: IDUA (alpha-L-iduronidase; plus strand). Cytogenetic location: 4p16.3.
Variant type: single nucleotide variant.
Coding change: c.1582C>G on transcript NM_000203.5 (MANE Select); coding-DNA position 1582, C replaced by G.
Protein change: p.Pro528Ala; replaces proline 528 with alanine.
Molecular consequence: missense variant. On other transcripts: non-coding transcript variant (1).
Genome position (GRCh38, 1-based): chr4:1,003,402, C>G. VCF-style: chr4-1003402-C-G. GRCh37 (hg19) VCF-style: chr4-997190-C-G.
Other names: p.Pro528Ala; c.1186C>G, p.Pro396Ala (NM_001363576.1); short protein forms P528A, P396A.
Identifiers: ClinVar variation 526839 (VCV000526839.21), dbSNP rs199722340, ClinGen allele CA2802302.

ClinVar aggregate classification (germline): Benign/Likely benign. Review status: criteria provided, multiple submitters, no conflicts (2 of 4 stars). 6 submissions from 6 submitters: Benign (3); Likely benign (2). 1 of the submissions does not count toward it. Last evaluated 2026-08-27.

Conditions:
IDUA-related disorder. Also called: IDUA-related condition.
Mucopolysaccharidosis type 1. Also called: IDUA deficiency; MPS I; Mucopolysaccharidosis Type I. Identifiers: Orphanet 579, MedGen C0023786, MONDO:0001586.

Allele frequency attached by ClinVar (database versions not stated): gnomAD exomes 0.00130; 1000 Genomes Project 0.00958; TOPMed 0.00995; 1000 Genomes Project 30x 0.01062; ExAC 0.00144; gnomAD 0.00809 and 0.00862.
gnomAD v4.1: 2,347 of 1,525,012 alleles (0.15%); highest among the groups gnomAD compares: African/African-American, 2.8%; 39 homozygotes.

Submissions (6):

PreventionGenetics, part of Exact Sciences
Classification: Benign for IDUA-related condition. Last evaluated: 2026-08-27. Review status: criteria provided, single submitter. Criteria: ACMG Guidelines, 2015. Collection method: clinical testing. Allele origin: germline.
Comment: This variant is classified as benign based on ACMG/AMP sequence variant interpretation guidelines (Richards et al. 2015 PMID: 25741868, with internal and published modifications).

Labcorp Genetics (formerly Invitae), Labcorp
Classification: Benign for Mucopolysaccharidosis type 1. Last evaluated: 2026-01-31. Review status: criteria provided, single submitter. Criteria: Invitae Variant Classification Sherloc (09022015). Collection method: clinical testing. Allele origin: germline.

Mayo Clinic Laboratories, Mayo Clinic
Classification: Benign. Last evaluated: 2021-05-26. Review status: criteria provided, single submitter. Criteria: ACMG Guidelines, 2015. Collection method: clinical testing. Allele origin: germline. Observed: 8 variant alleles.

GeneDx
Classification: Likely benign. Last evaluated: 2020-02-03. Review status: criteria provided, single submitter. Criteria: GeneDx Variant Classification Process June 2021. Collection method: clinical testing. Allele origin: germline. Affected: yes.

Breakthrough Genomics
Classification: Likely benign. Review status: criteria provided, single submitter. Criteria: ACMG Guidelines, 2015. Collection method: not provided. Allele origin: germline. Inheritance: Autosomal recessive inheritance. Affected: yes.

Natera, Inc.
Classification: Benign for Mucopolysaccharidosis type I. Last evaluated: 2017-05-11. Review status: no assertion criteria provided. Collection method: clinical testing. Allele origin: germline. Not counted in ClinVar's aggregate classification.